The following is an entry in ClinVar:

ClinVar aggregate classification (germline): Conflicting classifications of pathogenicity. Review status: criteria provided, conflicting classifications (1 of 4 stars). 6 submissions from 6 submitters: Uncertain significance (1); Likely benign (4). 1 of the submissions does not count toward it. Last evaluated 2026-01-31.

Conditions:
MFSD8-related disorder. Also called: MFSD8-related condition.
Late-infantile neuronal ceroid lipofuscinosis. Also called: Jansky-Bielschowsky disease. Identifiers: MedGen C0022340, MONDO:0015674.
Neuronal ceroid lipofuscinosis 7 (CLN7). Also called: MFSD8-Related Neuronal Ceroid-Lipofuscinosis. Identifiers: Orphanet 168491, Orphanet 228366, MedGen C1838571, MONDO:0012588, OMIM 610951.

Submissions (6):

Labcorp Genetics (formerly Invitae), Labcorp
Classification: Likely benign for Neuronal ceroid lipofuscinosis 7. Last evaluated: 2026-01-31. Review status: criteria provided, single submitter. Criteria: Invitae Variant Classification Sherloc (09022015). Collection method: clinical testing. Allele origin: germline.

PreventionGenetics, part of Exact Sciences
Classification: Likely benign for MFSD8-related condition. Last evaluated: 2025-06-05. Review status: criteria provided, single submitter. Criteria: ACMG Guidelines, 2015. Collection method: clinical testing. Allele origin: germline.
Comment: This variant is classified as likely benign based on ACMG/AMP sequence variant interpretation guidelines (Richards et al. 2015 PMID: 25741868, with internal and published modifications).

Blueprint Genetics
Classification: Likely benign. Last evaluated: 2024-07-31. Review status: criteria provided, single submitter. Criteria: ACMG Guidelines, 2015. Collection method: clinical testing. Allele origin: germline.

GeneDx
Classification: Likely benign. Last evaluated: 2023-08-07. Review status: criteria provided, single submitter. Criteria: GeneDx Variant Classification Process June 2021. Collection method: clinical testing. Allele origin: germline. Affected: yes.
Comment: See Variant Classification Assertion Criteria.

Eurofins Ntd Llc (ga)
Classification: Uncertain significance. Last evaluated: 2017-09-21. Review status: criteria provided, single submitter. Criteria: EGL Classification Definitions 2015. Collection method: clinical testing. Allele origin: germline. Observed: 2 variant alleles, 2 heterozygotes.

Natera, Inc.
Classification: Likely benign for Late-infantile neuronal ceroid lipofuscinosis. Last evaluated: 2020-09-16. Review status: no assertion criteria provided. Collection method: clinical testing. Allele origin: germline. Not counted in ClinVar's aggregate classification.

Literature cited by the submitters: PubMed 19201763 (cited by Eurofins Ntd Llc (ga)).

NM_001371596.2(MFSD8):c.63-4del

Gene: MFSD8 (major facilitator superfamily domain containing 8; minus strand). Cytogenetic location: 4q28.2.
Variant type: Deletion.
Coding change: c.63-4del on transcript NM_001371596.2 (MANE Select); 4 bases into the intron before coding-DNA position 63, one base deleted (C; older notation c.63-4delC).
Molecular consequence: intron variant.
Genome position (GRCh38, 1-based): chr4:127,957,596, G deleted on the plus strand (C on the coding strand, the reverse complement: MFSD8 is on the minus strand); the first of 2 consecutive G bases (chr4:127,957,596-127,957,597); deleting either gives the same sequence. VCF-style (leftmost placement, unchanged base first): chr4-127957595-AG-A. GRCh37 (hg19) VCF-style: chr4-128878750-AG-A.
Other names: c.63-4del (NM_152778.2, NM_152778.4, NM_001363521.3 and 6 more transcripts); c.-71-6del (NM_001371595.1); c.-73-4del (NM_001410765.1, NM_001371590.2); c.63-4delC (NM_152778.3).
Identifiers: ClinVar variation 196582 (VCV000196582.25), dbSNP rs755011754, ClinGen allele CA243591.